The following is an entry in ClinVar:

NM_016816.4(OAS1):c.680C>T (p.Pro227Leu)

Gene: OAS1 (2'-5'-oligoadenylate synthetase 1; plus strand). Cytogenetic location: 12q24.13.
Variant type: single nucleotide variant.
Coding change: c.680C>T on transcript NM_016816.4 (MANE Select); coding-DNA position 680, C replaced by T.
Protein change: p.Pro227Leu; replaces proline 227 with leucine.
Molecular consequence: missense variant.
Genome position (GRCh38, 1-based): chr12:112,916,534, C>T. VCF-style: chr12-112916534-C-T. GRCh37 (hg19) VCF-style: chr12-113354339-C-T.
Other names: c.680C>T, p.Pro227Leu (NM_001032409.3, NM_001320151.2, NM_002534.4); short protein forms P227L.
Identifiers: ClinVar variation 1403559 (VCV001403559.6), dbSNP rs2136317538, ClinGen allele CA386805045.

ClinVar aggregate classification (germline): Uncertain significance (1 of 4 stars; one submission).

Allele frequency attached by ClinVar (database versions not stated): gnomAD exomes 0.00001.
gnomAD v4.1: 11 of 1,614,096 alleles (0.00068%); highest among the groups gnomAD compares: Non-Finnish European, 0.00093%; no homozygotes.

Submission:

Labcorp Genetics (formerly Invitae), Labcorp
Classification: Uncertain significance. Last evaluated: 2025-01-24. Review status: criteria provided, single submitter. Criteria: Invitae Variant Classification Sherloc (09022015). Collection method: clinical testing. Allele origin: germline.
Comment: This sequence change replaces proline, which is neutral and non-polar, with leucine, which is neutral and non-polar, at codon 227 of the OAS1 protein (p.Pro227Leu). This variant is not present in population databases (gnomAD no frequency). This variant has not been reported in the literature in individuals affected with OAS1-related conditions. ClinVar contains an entry for this variant (Variation ID: 1403559). An algorithm developed to predict the effect of missense changes on protein structure and function (PolyPhen-2) suggests that this variant is likely to be disruptive. In summary, the available evidence is currently insufficient to determine the role of this variant in disease. Therefore, it has been classified as a Variant of Uncertain Significance.